The following is an entry in ClinVar:

ClinVar aggregate classification (germline): Uncertain significance (1 of 4 stars; one submission).

Conditions:
Inborn genetic diseases. Identifiers: MedGen C0950123, MeSH D030342.

gnomAD v4.1: 1 of 1,613,654 alleles (0.000062%); highest among the groups gnomAD compares: Non-Finnish European, 0.000085%; no homozygotes.

Submission:

Ambry Genetics
Classification: Uncertain significance for Inborn genetic diseases. Last evaluated: 2026-04-19. Review status: criteria provided, single submitter. Criteria: Ambry Variant Classification Scheme 2023. Collection method: clinical testing. Allele origin: germline.
Comment: The p.D497H variant (also known as c.1489G>C), located in coding exon 13 of the KDM1A gene, results from a G to C substitution at nucleotide position 1489. The aspartic acid at codon 497 is replaced by histidine, an amino acid with similar properties. This amino acid position is conserved. In addition, the in silico prediction for this alteration is inconclusive. Based on the available evidence, the clinical significance of this variant remains unclear.

NM_001009999.3(KDM1A):c.1489G>C (p.Asp497His)

Gene: KDM1A (lysine demethylase 1A; plus strand). Cytogenetic location: 1p36.12.
Variant type: single nucleotide variant.
Coding change: c.1489G>C on transcript NM_001009999.3 (MANE Select); coding-DNA position 1489, G replaced by C.
Protein change: p.Asp497His; replaces aspartic acid 497 with histidine.
Molecular consequence: missense variant.
Genome position (GRCh38, 1-based): chr1:23,071,300, G>C. VCF-style: chr1-23071300-G-C. GRCh37 (hg19) VCF-style: chr1-23397793-G-C.
Other names: c.1417G>C, p.Asp473His (NM_001363654.2, NM_001410763.1, NM_015013.4); c.1477G>C, p.Asp493His (NM_001410762.1); short protein forms D473H, D493H, D497H.
Identifiers: ClinVar variation 4858718 (VCV004858718.1).